The following is an entry in ClinVar:

NM_000338.3(SLC12A1):c.1942G>A (p.Asp648Asn)

Genes: SLC12A1 (solute carrier family 12 member 1; plus strand), LOC126862123 (CDK7 strongly-dependent group 2 enhancer GRCh37_chr15:48543423-48544622; plus strand). Cytogenetic location: 15q21.1.
Variant type: single nucleotide variant.
Coding change: c.1942G>A on transcript NM_000338.3 (MANE Select); coding-DNA position 1942, G replaced by A.
Protein change: p.Asp648Asn; replaces aspartic acid 648 with asparagine.
Molecular consequence: missense variant.
Genome position (GRCh38, 1-based): chr15:48,251,770, G>A. VCF-style: chr15-48251770-G-A. GRCh37 (hg19) VCF-style: chr15-48543967-G-A.
Other names: c.1942G>A, p.Asp648Asn (NM_001184832.2); short protein forms D648N.
Identifiers: ClinVar variation 8752 (VCV000008752.4), dbSNP rs137853157, ClinGen allele CA119888.

ClinVar aggregate classification (germline): Uncertain significance. Review status: criteria provided, single submitter (1 of 4 stars). 3 submissions from 3 submitters: Uncertain significance (1). 2 of the submissions do not count toward it. Last evaluated 2025-05-22.

Conditions:
Familial hypokalemia-hypomagnesemia (GTLMNS). Also called: HYPOMAGNESEMIA-HYPOKALEMIA, PRIMARY RENOTUBULAR, WITH HYPOCALCIURIA; gitelman syndrome; POTASSIUM AND MAGNESIUM DEPLETION. Identifiers: Orphanet 358, MedGen C0268450, MONDO:0009904, OMIM 263800.
Bartter syndrome. Identifiers: Orphanet 112, MedGen C0004775, MONDO:0015231.
Bartter disease type 1. Also called: HYPERPROSTAGLANDIN E SYNDROME 1; Bartter syndrome, type 1, antenatal; HYPOKALEMIC ALKALOSIS WITH HYPERCALCIURIA 1, ANTENATAL; Bartter Syndrome type 1. Identifiers: Orphanet 112, Orphanet 620217, MedGen C1866495, MONDO:0100344, OMIM 601678, MONDO:0011127.

Allele frequency attached by ClinVar (database versions not stated): gnomAD exomes 0.00001; gnomAD 0.00006; ExAC 0.00001.
gnomAD v4.1: 3 of 1,613,370 alleles (0.00019%); highest among the groups gnomAD compares: African/African-American, 0.0013%; no homozygotes.

Submissions (3):

Women's Health and Genetics/Laboratory Corporation of America, LabCorp
Classification: Uncertain significance. Last evaluated: 2025-05-22. Review status: criteria provided, single submitter. Criteria: LabCorp Variant Classification Summary - May 2015. Collection method: clinical testing. Allele origin: germline.
Comment: Variant summary: SLC12A1 c.1942G>A (p.Asp648Asn) results in a conservative amino acid change in the encoded protein sequence. Algorithms developed to predict the effect of missense changes on protein structure and function are either unavailable or do not agree on the potential impact of this missense change. Several computational tools predict a significant impact on normal splicing: Two predict the variant weakens a canonical 5' donor site and one predicts the variant abolishes this site. However, these predictions have yet to be confirmed by functional studies. The variant allele was found at a frequency of 8e-06 in 250780 control chromosomes (gnomAD). c.1942G>A has been observed in a homozygous individual affected with Bartter Syndrome, Type 1 (Simon_1996). These data indicate that the variant may be associated with disease. To our knowledge, no experimental evidence demonstrating an impact on protein function has been reported. The following publication has been ascertained in the context of this evaluation (PMID: 8640224). ClinVar contains an entry for this variant (Variation ID: 8752). Based on the evidence outlined above, the variant was classified as VUS-possibly pathogenic.

Sydney Genome Diagnostics, Children's Hospital Westmead
Classification: Uncertain significance for Familial hypokalemia-hypomagnesemia; Bartter syndrome. Last evaluated: 2018-11-15. Review status: no assertion criteria provided. Collection method: clinical testing. Allele origin: unknown. Affected: yes. Observed: 1 variant allele, 1 heterozygote. Not counted in ClinVar's aggregate classification.
Comment: This variant has been reported in the gnomAD browser with a very low allele frequency of 0.001% (4 out of 276,886 alleles). c.1942G>A p.(Asp648Asn) variant has been reported in a homozygous state in a patient with Bartter syndrome (Simon et al. Nat Genet 1996; 13 (2): 183-188). In silico analysis of pathogenicity (through Alamut Visual v2.8.1) is inconclusive regarding this change; SIFT predicts it to be likely benign whereas MutationTaster and Polyphen predict this variant to be likely pathogenic. c.1942G>A is located at the last base of exon 15 and in silico analysis (through Alamut Visual v2.8.1) perdicts that it wil affect splicing by reducing the efficiency of the nearby splice donor site. However, this analysis alone cannot be used to determine pathogenicity. This variant is considered to be a variant of uncertain clinical significance (VOUS) according to the ACMG guidelines (evidence used: PM2, PP3, PP5).

OMIM
Classification: Pathogenic for BARTTER SYNDROME, TYPE 1, ANTENATAL. Last evaluated: 1996-06-01. Review status: no assertion criteria provided. Collection method: literature only. Allele origin: germline. Not counted in ClinVar's aggregate classification.

Literature cited by the submitters: PubMed 8640224 (cited by Women's Health and Genetics/Laboratory Corporation of America, LabCorp and OMIM).